The following is an entry in ClinVar:

ClinVar aggregate classification (germline): Uncertain significance. Review status: criteria provided, multiple submitters, no conflicts (2 of 4 stars). 3 submissions from 3 submitters: Uncertain significance (2). 1 of the submissions does not count toward it. Last evaluated 2025-12-11.

Conditions:
Hereditary cancer-predisposing syndrome. Also called: Hereditary Cancer Syndrome; Hereditary neoplastic syndrome; Neoplastic Syndromes, Hereditary; Tumor predisposition. Identifiers: Orphanet 140162, MedGen C0027672, MeSH D009386, MONDO:0015356.
Bloom syndrome (BLM). Also called: Bloom-Torre-Machacek syndrome. Identifiers: Orphanet 125, MedGen C0005859, MONDO:0008876, OMIM 210900.

Allele frequency attached by ClinVar (database versions not stated): ExAC 0.00002; gnomAD 0.00002; gnomAD exomes 0.00002 and 0.00003; TOPMed 0.00002; ESP Exome Variant Server 0.00008.
gnomAD v4.1: 39 of 1,612,736 alleles (0.0024%); highest among the groups gnomAD compares: Non-Finnish European, 0.0032%; no homozygotes.

Submissions (3):

Labcorp Genetics (formerly Invitae), Labcorp
Classification: Uncertain significance for Bloom syndrome. Last evaluated: 2025-12-11. Review status: criteria provided, single submitter. Criteria: Invitae Variant Classification Sherloc (09022015). Collection method: clinical testing. Allele origin: germline.
Comment: This sequence change replaces glycine, which is neutral and non-polar, with aspartic acid, which is acidic and polar, at codon 1104 of the BLM protein (p.Gly1104Asp). This variant is present in population databases (rs150784889, gnomAD 0.004%). This variant has not been reported in the literature in individuals affected with BLM-related conditions. ClinVar contains an entry for this variant (Variation ID: 454135). Invitae Evidence Modeling of protein sequence and biophysical properties (such as structural, functional, and spatial information, amino acid conservation, physicochemical variation, residue mobility, and thermodynamic stability) indicates that this missense variant is not expected to disrupt BLM protein function with a negative predictive value of 80%. In summary, the available evidence is currently insufficient to determine the role of this variant in disease. Therefore, it has been classified as a Variant of Uncertain Significance.

Ambry Genetics
Classification: Uncertain significance for Hereditary cancer-predisposing syndrome. Last evaluated: 2025-03-01. Review status: criteria provided, single submitter. Criteria: Ambry Variant Classification Scheme 2023. Collection method: clinical testing. Allele origin: germline.
Comment: The p.G1104D variant (also known as c.3311G>A), located in coding exon 16 of the BLM gene, results from a G to A substitution at nucleotide position 3311. The glycine at codon 1104 is replaced by aspartic acid, an amino acid with similar properties. This amino acid position is well conserved in available vertebrate species. In addition, this alteration is predicted to be tolerated by in silico analysis. Since supporting evidence is limited at this time, the clinical significance of this alteration remains unclear.

Natera, Inc.
Classification: Uncertain significance for Bloom syndrome. Last evaluated: 2020-08-27. Review status: no assertion criteria provided. Collection method: clinical testing. Allele origin: germline. Not counted in ClinVar's aggregate classification.

NM_000057.4(BLM):c.3311G>A (p.Gly1104Asp)

Gene: BLM (BLM RecQ like helicase; plus strand). Cytogenetic location: 15q26.1.
Variant type: single nucleotide variant.
Coding change: c.3311G>A on transcript NM_000057.4 (MANE Select); coding-DNA position 3311, G replaced by A.
Protein change: p.Gly1104Asp; replaces glycine 1104 with aspartic acid.
Molecular consequence: missense variant.
Genome position (GRCh38, 1-based): chr15:90,798,290, G>A. VCF-style: chr15-90798290-G-A. GRCh37 (hg19) VCF-style: chr15-91341520-G-A.
Other names: c.3311G>A, p.Gly1104Asp (NM_001287246.2, NM_001287247.2); c.2186G>A, p.Gly729Asp (NM_001287248.2); short protein forms G1104D, G729D.
Identifiers: ClinVar variation 454135 (VCV000454135.18), dbSNP rs150784889, ClinGen allele CA7738987.